The following is an entry in ClinVar:

ClinVar aggregate classification (germline): Benign (1 of 4 stars; one submission).

Allele frequency attached by ClinVar (database versions not stated): 1000 Genomes Project 30x 0.00328; 1000 Genomes Project 0.00359; TOPMed 0.00821; gnomAD 0.00908; ExAC 0.01131.
gnomAD v4.1: 19,624 of 1,550,568 alleles (1.3%); highest among the groups gnomAD compares: Middle Eastern, 1.8%; 165 homozygotes.

Submission:

CeGaT Center for Human Genetics Tuebingen
Classification: Benign. Last evaluated: 2023-11-01. Review status: criteria provided, single submitter. Criteria: CeGaT Center For Human Genetics Tuebingen Variant Classification Criteria Version 2. Collection method: clinical testing. Allele origin: germline. Affected: yes. Observed: 1 variant allele.
Comment: VWA2: BS1, BS2

NM_001272046.2(VWA2):c.2143C>T (p.Leu715Phe)

Genes: AFAP1L2 (actin filament associated protein 1 like 2; minus strand), VWA2 (von Willebrand factor A domain containing 2; plus strand). Cytogenetic location: 10q25.3.
Variant type: single nucleotide variant.
Coding change: c.2143C>T on transcript NM_001272046.2 (MANE Select); coding-DNA position 2143, C replaced by T.
Protein change: p.Leu715Phe; replaces leucine 715 with phenylalanine.
Molecular consequence: missense variant.
Genome position (GRCh38, 1-based): chr10:114,290,260, C>T. VCF-style: chr10-114290260-C-T. GRCh37 (hg19) VCF-style: chr10-116050019-C-T.
Other names: c.2143C>T, p.Leu715Phe (NM_001320804.1); short protein forms L715F.
Identifiers: ClinVar variation 2672418 (VCV002672418.23), dbSNP rs62623671, ClinGen allele CA5700900.